The following is an entry in ClinVar:

ClinVar aggregate classification (germline): Conflicting classifications of pathogenicity. Review status: criteria provided, conflicting classifications (1 of 4 stars). 3 submissions from 3 submitters: Uncertain significance (1); Likely benign (1). 1 of the submissions does not count toward it. Last evaluated 2024-02-15.

Conditions:
Fanconi anemia (FA). Also called: Fanconi's anemia. Identifiers: Orphanet 84, MedGen C0015625, MeSH D005199, MONDO:0019391.
FANCB-related disorder. Also called: FANCB-related condition.
Inborn genetic diseases. Identifiers: MedGen C0950123, MeSH D030342.

Allele frequency attached by ClinVar (database versions not stated): gnomAD exomes below 0.00001; gnomAD 0.00001; 1000 Genomes Project 30x 0.00021; 1000 Genomes Project 0.00026.
gnomAD v4.1: 3 of 1,200,411 alleles (0.00025%); highest among the groups gnomAD compares: East Asian, 0.0089%; no homozygotes.

Submissions (3):

Labcorp Genetics (formerly Invitae), Labcorp
Classification: Uncertain significance for Fanconi anemia. Last evaluated: 2024-02-15. Review status: criteria provided, single submitter. Criteria: Invitae Variant Classification Sherloc (09022015). Collection method: clinical testing. Allele origin: germline.
Comment: This sequence change replaces isoleucine, which is neutral and non-polar, with methionine, which is neutral and non-polar, at codon 304 of the FANCB protein (p.Ile304Met). This variant is present in population databases (rs765890822, gnomAD 0.008%), including at least one homozygous and/or hemizygous individual. This variant has not been reported in the literature in individuals affected with FANCB-related conditions. ClinVar contains an entry for this variant (Variation ID: 2624333). Advanced modeling of protein sequence and biophysical properties (such as structural, functional, and spatial information, amino acid conservation, physicochemical variation, residue mobility, and thermodynamic stability) performed at Invitae indicates that this missense variant is not expected to disrupt FANCB protein function with a negative predictive value of 80%. In summary, the available evidence is currently insufficient to determine the role of this variant in disease. Therefore, it has been classified as a Variant of Uncertain Significance.

Ambry Genetics
Classification: Likely benign for Inborn genetic diseases. Last evaluated: 2023-09-14. Review status: criteria provided, single submitter. Criteria: Ambry Variant Classification Scheme 2023. Collection method: clinical testing. Allele origin: germline.

PreventionGenetics, part of Exact Sciences
Classification: Uncertain significance for FANCB-related condition. Last evaluated: 2024-04-03. Review status: no assertion criteria provided. Collection method: clinical testing. Allele origin: germline. Not counted in ClinVar's aggregate classification.
Comment: The FANCB c.912A>G variant is predicted to result in the amino acid substitution p.Ile304Met. To our knowledge, this variant has not been reported in the literature. This variant is reported in 0.014% of alleles in individuals of East Asian descent in gnomAD. At this time, the clinical significance of this variant is uncertain due to the absence of conclusive functional and genetic evidence.

NM_001018113.3(FANCB):c.912A>G (p.Ile304Met)

Gene: FANCB (FA complementation group B; minus strand). Cytogenetic location: Xp22.2.
Variant type: single nucleotide variant.
Coding change: c.912A>G on transcript NM_001018113.3 (MANE Select); coding-DNA position 912, A replaced by G.
Protein change: p.Ile304Met; replaces isoleucine 304 with methionine.
Molecular consequence: missense variant.
Genome position (GRCh38, 1-based): chrX:14,864,599, T>C on the plus strand (A>G on the coding strand, the complement: FANCB is on the minus strand). VCF-style: chrX-14864599-T-C. GRCh37 (hg19) VCF-style: chrX-14882721-T-C.
Other names: c.912A>G, p.Ile304Met (NM_001324162.2, NM_001410764.1, NM_152633.4); c.912A>G (NM_001018113.2); short protein forms I304M.
Identifiers: ClinVar variation 2624333 (VCV002624333.5), dbSNP rs765890822, ClinGen allele CA327063394.